The following is an entry in ClinVar:

NM_005633.4(SOS1):c.552T>C (p.Asn184=)

Gene: SOS1 (SOS Ras/Rac guanine nucleotide exchange factor 1; minus strand). Cytogenetic location: 2p22.1.
Variant type: single nucleotide variant.
Coding change: c.552T>C on transcript NM_005633.4 (MANE Select); coding-DNA position 552, T replaced by C.
Protein change: p.Asn184=; no amino-acid change (asparagine 184 retained).
Molecular consequence: synonymous variant.
Genome position (GRCh38, 1-based): chr2:39,054,782, A>G on the plus strand (T>C on the coding strand, the complement: SOS1 is on the minus strand). VCF-style: chr2-39054782-A-G. GRCh37 (hg19) VCF-style: chr2-39281923-A-G.
Other names: c.531T>C, p.Asn177= (NM_001382394.1); c.552T>C, p.Asn184= (NM_001382395.1).
Identifiers: ClinVar variation 165287 (VCV000165287.30), dbSNP rs727503438, ClinGen allele CA178027.

ClinVar aggregate classification (germline): Likely benign. Review status: criteria provided, multiple submitters, no conflicts (2 of 4 stars). 7 submissions from 6 submitters: Likely benign (7). Last evaluated 2025-04-14.

Conditions:
Cardiovascular phenotype. Identifiers: MedGen CN230736.
RASopathy. Also called: rasopathies; Noonan spectrum disorder. Identifiers: Orphanet 536391, MedGen C5555857, MONDO:0021060.
Noonan syndrome 4 (NS4). Also called: SOS1-Related Noonan Syndrome; NOONAN SYNDROME WITH PIGMENTED VILLONODULAR SYNOVITIS. Identifiers: Orphanet 648, MedGen C1853120, MONDO:0012547, OMIM 610733.
Fibromatosis, gingival, 1 (GINGF1). Identifiers: Orphanet 2024, MedGen C4551558, MONDO:0007609, OMIM 135300.

Allele frequency attached by ClinVar (database versions not stated): gnomAD 0.00001; gnomAD exomes 0.00001 and 0.00003; ExAC 0.00002.
gnomAD v4.1: 16 of 1,557,816 alleles (0.001%); highest among the groups gnomAD compares: Non-Finnish European, 0.00027%; no homozygotes.

Submissions (7):

Labcorp Genetics (formerly Invitae), Labcorp
Classification: Likely benign for RASopathy. Last evaluated: 2025-04-14. Review status: criteria provided, single submitter. Criteria: Invitae Variant Classification Sherloc (09022015). Collection method: clinical testing. Allele origin: germline.

CeGaT Center for Human Genetics Tuebingen
Classification: Likely benign. Last evaluated: 2025-02-01. Review status: criteria provided, single submitter. Criteria: CeGaT Center For Human Genetics Tuebingen Variant Classification Criteria Version 2. Collection method: clinical testing. Allele origin: germline. Affected: yes. Observed: 1 variant allele.
Comment: SOS1: BP4, BP7

Blueprint Genetics
Classification: Likely benign. Last evaluated: 2023-12-19. Review status: criteria provided, single submitter. Criteria: ACMG Guidelines, 2015. Collection method: clinical testing. Allele origin: germline.

Ambry Genetics
Classification: Likely benign for Cardiovascular phenotype. Last evaluated: 2021-03-08. Review status: criteria provided, single submitter. Criteria: Ambry Variant Classification Scheme 2023. Collection method: clinical testing. Allele origin: germline.

Laboratory for Molecular Medicine, Mass General Brigham Personalized Medicine
Classification: Likely benign. Last evaluated: 2014-07-07. Review status: criteria provided, single submitter. Criteria: LMM Criteria. Collection method: clinical testing. Allele origin: germline. Observed: 1 variant allele.
Comment: Asn184Asn in exon 5 of SOS1: This variant is not expected to have clinical signi ficance because it does not alter an amino acid residue and is not located withi n the splice consensus sequence.

Genome-Nilou Lab
Classification: Likely benign for Noonan syndrome 4. Review status: criteria provided, single submitter. Criteria: ACMG Guidelines, 2015. Collection method: clinical testing. Allele origin: germline.

Genome-Nilou Lab
Classification: Likely benign for Fibromatosis, gingival, 1. Review status: criteria provided, single submitter. Criteria: ACMG Guidelines, 2015. Collection method: clinical testing. Allele origin: germline.